The following is an entry in ClinVar:

ClinVar aggregate classification (germline): Pathogenic/Likely pathogenic. Review status: criteria provided, multiple submitters, no conflicts (2 of 4 stars). 5 submissions from 5 submitters: Pathogenic (1); Likely pathogenic (4). Last evaluated 2024-10-09.

Conditions:
Neuromuscular disease caused by qualitative or quantitative defects of dysferlin. Also called: Qualitative or quantitative defects of dysferlin; Dysferlinopathy. Identifiers: Orphanet 207073, MedGen C2931687, MONDO:0016145.
Distal myopathy with anterior tibial onset. Identifiers: Orphanet 178400, MedGen C1847532, MONDO:0011721, OMIM 606768.
Miyoshi muscular dystrophy 1 (MMD1). Identifiers: Orphanet 45448, MedGen C4551973, MONDO:0024545, OMIM 254130.
Autosomal recessive limb-girdle muscular dystrophy type 2B (LGMDR2). Also called: MUSCULAR DYSTROPHY, LIMB-GIRDLE, TYPE 3; Limb-girdle muscular dystrophy, type 2B; MUSCULAR DYSTROPHY, LIMB-GIRDLE, AUTOSOMAL RECESSIVE 2; Limb-Girdle Muscular Dystrophy Type 2B (LGMD2B). Identifiers: Orphanet 268, MedGen C1850889, MONDO:0009676, OMIM 253601.

Allele frequency attached by ClinVar (database versions not stated): gnomAD exomes below 0.00001; ExAC 0.00001.

Submissions (5):

Natera, Inc.
Classification: Likely pathogenic for Limb-girdle muscular dystrophy type 2B. Last evaluated: 2024-10-09. Review status: criteria provided, single submitter. Criteria: Natera Variant Classification Schema (03/2026). Collection method: clinical testing. Allele origin: germline.
Comment: The c.4837delA variant in DYSF is a frameshift variant predicted to shift the reading frame beginning at codon 1613 and leads to a stop codon 21 codons downstream. This variant is expected to result in nonsense mediated decay, truncation, or a dysfunctional protein product. This variant is rare in the general population with a frequency below the threshold expected for the associated phenotype(s). Given the available evidence, this variant is classified as Likely Pathogenic.

Fulgent Genetics
Classification: Likely pathogenic for Autosomal recessive limb-girdle muscular dystrophy type 2B; Miyoshi muscular dystrophy 1; Distal myopathy with anterior tibial onset. Last evaluated: 2024-06-24. Review status: criteria provided, single submitter. Criteria: ACMG Guidelines, 2015. Collection method: clinical testing. Allele origin: germline.

Labcorp Genetics (formerly Invitae), Labcorp
Classification: Pathogenic for Neuromuscular disease caused by qualitative or quantitative defects of dysferlin. Last evaluated: 2024-02-19. Review status: criteria provided, single submitter. Criteria: Invitae Variant Classification Sherloc (09022015). Collection method: clinical testing. Allele origin: germline.
Comment: This sequence change creates a premature translational stop signal (p.Ser1613Valfs*21) in the DYSF gene. It is expected to result in an absent or disrupted protein product. Loss-of-function variants in DYSF are known to be pathogenic (PMID: 17698709, 20301480). This variant is present in population databases (rs772270346, gnomAD 0.006%). This variant has not been reported in the literature in individuals affected with DYSF-related conditions. ClinVar contains an entry for this variant (Variation ID: 1072386). For these reasons, this variant has been classified as Pathogenic.

Baylor Genetics
Classification: Likely pathogenic for Miyoshi muscular dystrophy 1. Last evaluated: 2024-01-08. Review status: criteria provided, single submitter. Criteria: ACMG Guidelines, 2015. Collection method: clinical testing. Allele origin: unknown.

Revvity Omics, Revvity
Classification: Likely pathogenic. Last evaluated: 2023-08-17. Review status: criteria provided, single submitter. Criteria: ACMG Guidelines, 2015. Collection method: clinical testing. Allele origin: germline.

Literature cited by the submitters: PubMed 17698709 (cited by Labcorp Genetics (formerly Invitae), Labcorp); PubMed 20301480 (cited by Labcorp Genetics (formerly Invitae), Labcorp).

NM_001130987.2(DYSF):c.4954del (p.Ser1652fs)

Gene: DYSF (dysferlin; plus strand). Cytogenetic location: 2p13.2.
Variant type: Deletion.
Coding change: c.4954del on transcript NM_001130987.2 (MANE Select); coding-DNA position 4954, one base deleted (A; older notation c.4954delA).
Protein change: p.Ser1652fs; shifts the reading frame from serine 1652.
Molecular consequence: frameshift variant.
Genome position (GRCh38, 1-based): chr2:71,660,602, A deleted. VCF-style (leftmost placement, unchanged base first): chr2-71660601-GA-G. GRCh37 (hg19) VCF-style: chr2-71887731-GA-G.
Other names: c.4840del, p.Ser1614fs (NM_001130455.2); c.4795del, p.Ser1599fs (NM_001130976.2); c.4858del, p.Ser1620fs (NM_001130977.2); c.4900del, p.Ser1634fs (NM_001130978.2); c.4930del, p.Ser1644fs (NM_001130979.2); c.4888del, p.Ser1630fs (NM_001130980.2); c.4951del, p.Ser1651fs (NM_001130981.2); c.4933del, p.Ser1645fs (NM_001130982.2); and 6 more; short protein forms S1599fs, S1600fs, S1613fs, S1614fs, S1620fs, S1621fs, S1630fs, S1631fs.
Identifiers: ClinVar variation 1072386 (VCV001072386.12), dbSNP rs772270346, ClinGen allele CA1707197.